The following is an entry in ClinVar:

NM_000532.5(PCCB):c.1275del (p.Val427fs)

Gene: PCCB (propionyl-CoA carboxylase subunit beta; plus strand). Cytogenetic location: 3q22.3.
Variant type: Deletion.
Coding change: c.1275del on transcript NM_000532.5 (MANE Select); coding-DNA position 1275, one base deleted (C; older notation c.1275delC).
Protein change: p.Val427fs; shifts the reading frame from valine 427.
Molecular consequence: frameshift variant.
Genome position (GRCh38, 1-based): chr3:136,327,231, C deleted; the last of 3 consecutive C bases (chr3:136,327,229-136,327,231); deleting any one gives the same sequence. VCF-style (leftmost placement, unchanged base first): chr3-136327228-AC-A. GRCh37 (hg19) VCF-style: chr3-136046070-AC-A.
Other names: c.1335del, p.Val447fs (NM_001178014.2); short protein forms V447fs, V427fs.
Identifiers: ClinVar variation 1450368 (VCV001450368.6), dbSNP rs2108238464, ClinGen allele CA2573136572.

ClinVar aggregate classification (germline): Pathogenic (1 of 4 stars; one submission).

Conditions:
Propionic acidemia (PROP). Also called: GLYCINEMIA, KETOTIC; HYPERGLYCINEMIA WITH KETOACIDOSIS AND LEUKOPENIA; KETOTIC HYPERGLYCINEMIA. Identifiers: Orphanet 35, MedGen C0268579, MONDO:0011628, OMIM 606054, HP:0003571.

Submission:

Labcorp Genetics (formerly Invitae), Labcorp
Classification: Pathogenic for Propionic acidemia. Last evaluated: 2021-09-06. Review status: criteria provided, single submitter. Criteria: Invitae Variant Classification Sherloc (09022015). Collection method: clinical testing. Allele origin: germline.
Comment: This sequence change creates a premature translational stop signal (p.Val427Serfs*16) in the PCCB gene. It is expected to result in an absent or disrupted protein product. Loss-of-function variants in PCCB are known to be pathogenic (PMID: 15464417). This variant is not present in population databases (ExAC no frequency). This variant has not been reported in the literature in individuals affected with PCCB-related conditions. For these reasons, this variant has been classified as Pathogenic.

Literature cited by the submitters: PubMed 15464417.